The following is an entry in ClinVar:

NM_000101.4(CYBA):c.287+2_287+3del

Gene: CYBA (cytochrome b-245 alpha chain; minus strand). Cytogenetic location: 16q24.2.
Variant type: Microsatellite.
Coding change: c.287+2_287+3del on transcript NM_000101.4 (MANE Select); the canonical splice donor site of the intron after coding-DNA position 287 through 3 bases into the intron after coding-DNA position 287, 2 bases deleted (TG; older notation c.287+2_287+3delTG).
Molecular consequence: splice donor variant.
Genome position (GRCh38, 1-based): chr16:88,646,752-88,646,753, CA deleted on the plus strand (TG on the coding strand, the reverse complement: CYBA is on the minus strand); deleting any 2 consecutive bases within chr16:88,646,752-88,646,755 gives the same sequence; the c. name uses the placement nearest the transcript's 3' end. VCF-style (leftmost placement, unchanged base first): chr16-88646751-TCA-T. GRCh37 (hg19) VCF-style: chr16-88713159-TCA-T.
Identifiers: ClinVar variation 1067149 (VCV001067149.9), dbSNP rs2142875237, ClinGen allele CA2580612843.

ClinVar aggregate classification (germline): Likely pathogenic (1 of 4 stars; one submission).

Conditions:
Granulomatous disease, chronic, autosomal recessive, cytochrome b-negative. Also called: GRANULOMATOUS DISEASE, CHRONIC, AUTOSOMAL RECESSIVE, 4; CGD DUE TO DEFICIENCY OF THE ALPHA SUBUNIT OF CYTOCHROME b; CGD, AUTOSOMAL RECESSIVE CYTOCHROME b-NEGATIVE; CYBA DEFICIENCY; Chronic granulomatous disease, autosomal, due to deficiency of CYBA. Identifiers: Orphanet 379, MedGen C1856255, MONDO:0009308, OMIM 233690.

Submission:

Labcorp Genetics (formerly Invitae), Labcorp
Classification: Likely pathogenic for Granulomatous disease, chronic, autosomal recessive, cytochrome b-negative. Last evaluated: 2020-04-30. Review status: criteria provided, single submitter. Criteria: Invitae Variant Classification Sherloc (09022015). Collection method: clinical testing. Allele origin: germline.
Comment: Algorithms developed to predict the effect of sequence changes on RNA splicing suggest that this variant may disrupt the consensus splice site, but this prediction has not been confirmed by published transcriptional studies. Disruption of this splice site has been observed in individual(s) with chronic granulomatous disease (PMID: 20167518). This variant is not present in population databases (ExAC no frequency). This sequence change affects donor splice site in intron 4 of the CYBA gene. It is expected to disrupt RNA splicing and likely results in an absent or disrupted protein product. Donor and acceptor splice site variants typically lead to a loss of protein function (PMID: 16199547), and loss-of-function variants in CYBA are known to be pathogenic (PMID: 10910929, 20167518, 22876374). In summary, the currently available evidence indicates that the variant is pathogenic, but additional data are needed to prove that conclusively. Therefore, this variant has been classified as Likely Pathogenic.

Literature cited by the submitters: PubMed 20167518; PubMed 16199547; PubMed 10910929; PubMed 22876374.